The following is an entry in ClinVar:

NM_015386.3(COG4):c.2215A>G (p.Thr739Ala)

Gene: COG4 (component of oligomeric golgi complex 4; minus strand). Cytogenetic location: 16q22.1.
Variant type: single nucleotide variant.
Coding change: c.2215A>G on transcript NM_015386.3 (MANE Select); coding-DNA position 2215, A replaced by G.
Protein change: p.Thr739Ala; replaces threonine 739 with alanine.
Molecular consequence: missense variant. On other transcripts: non-coding transcript variant (1).
Genome position (GRCh38, 1-based): chr16:70,481,379, T>C on the plus strand (A>G on the coding strand, the complement: COG4 is on the minus strand). VCF-style: chr16-70481379-T-C. GRCh37 (hg19) VCF-style: chr16-70515282-T-C.
Other names: c.2140A>G, p.Thr714Ala (NM_001195139.2); c.1789A>G, p.Thr597Ala (NM_001365426.1); short protein forms T597A, T714A, T739A.
Identifiers: ClinVar variation 3630690 (VCV003630690.2).

ClinVar aggregate classification (germline): Uncertain significance (1 of 4 stars; one submission).

Conditions:
COG4-congenital disorder of glycosylation. Also called: COG4-CDG; CONGENITAL DISORDER OF GLYCOSYLATION, TYPE IIj; CDG IIj. Identifiers: Orphanet 263501, MedGen C4303552, MONDO:0013281, OMIM 613489.

Submission:

Labcorp Genetics (formerly Invitae), Labcorp
Classification: Uncertain significance for COG4-congenital disorder of glycosylation. Last evaluated: 2024-11-11. Review status: criteria provided, single submitter. Criteria: Invitae Variant Classification Sherloc (09022015). Collection method: clinical testing. Allele origin: germline.
Comment: This sequence change replaces threonine, which is neutral and polar, with alanine, which is neutral and non-polar, at codon 739 of the COG4 protein (p.Thr739Ala). This variant is not present in population databases (gnomAD no frequency). This variant has not been reported in the literature in individuals affected with COG4-related conditions. Invitae Evidence Modeling of protein sequence and biophysical properties (such as structural, functional, and spatial information, amino acid conservation, physicochemical variation, residue mobility, and thermodynamic stability) indicates that this missense variant is not expected to disrupt COG4 protein function with a negative predictive value of 80%. In summary, the available evidence is currently insufficient to determine the role of this variant in disease. Therefore, it has been classified as a Variant of Uncertain Significance.